The following is an entry in ClinVar:

ClinVar aggregate classification (germline): Uncertain significance (1 of 4 stars; one submission).

Conditions:
Norman-Roberts syndrome (LIS2). Also called: Lissencephaly 2 (Norman-Roberts type). Identifiers: Orphanet 89844, MedGen C0796089, MONDO:0009760, OMIM 257320.
Familial temporal lobe epilepsy 7. Identifiers: Orphanet 101046, MedGen C4225327, MONDO:0014639, OMIM 616436.

gnomAD v4.1: 1 of 1,612,064 alleles (0.000062%); highest among the groups gnomAD compares: Non-Finnish European, 0.000085%; no homozygotes.

Submission:

Labcorp Genetics (formerly Invitae), Labcorp
Classification: Uncertain significance for Familial temporal lobe epilepsy 7; Norman-Roberts syndrome. Last evaluated: 2025-06-17. Review status: criteria provided, single submitter. Criteria: Invitae Variant Classification Sherloc (09022015). Collection method: clinical testing. Allele origin: germline.
Comment: This sequence change replaces leucine, which is neutral and non-polar, with phenylalanine, which is neutral and non-polar, at codon 639 of the RELN protein (p.Leu639Phe). This variant is present in population databases (no rsID available, gnomAD 0.0009%). This variant has not been reported in the literature in individuals affected with RELN-related conditions. Invitae Evidence Modeling of protein sequence and biophysical properties (such as structural, functional, and spatial information, amino acid conservation, physicochemical variation, residue mobility, and thermodynamic stability) indicates that this missense variant is not expected to disrupt RELN protein function with a negative predictive value of 80%. In summary, the available evidence is currently insufficient to determine the role of this variant in disease. Therefore, it has been classified as a Variant of Uncertain Significance.

NM_005045.4(RELN):c.1915C>T (p.Leu639Phe)

Gene: RELN (reelin; minus strand). Cytogenetic location: 7q22.1.
Variant type: single nucleotide variant.
Coding change: c.1915C>T on transcript NM_005045.4 (MANE Select); coding-DNA position 1915, C replaced by T.
Protein change: p.Leu639Phe; replaces leucine 639 with phenylalanine.
Molecular consequence: missense variant.
Genome position (GRCh38, 1-based): chr7:103,650,361, G>A on the plus strand (C>T on the coding strand, the complement: RELN is on the minus strand). VCF-style: chr7-103650361-G-A. GRCh37 (hg19) VCF-style: chr7-103290808-G-A.
Other names: c.1915C>T, p.Leu639Phe (NM_173054.3); short protein forms L639F.
Identifiers: ClinVar variation 4792394 (VCV004792394.1).
Genomic context (GRCh38, chr7:103,650,361, plus strand): 5'-GGATTGGTCCTGTTTGTCTCCAGCGAATCCTGGTGTTCCGGGTTAGTGCTGCGTTAGGAA[G>A]GGGAATTGTTATTCGGTTCCACCTGCAAGAAATTTAGCACAAAACCATCTTCACAACTAT-3'
Protein context (NP_005036.2, residues 629-649): YSGWNRITIP[Leu639Phe]PNAALTRNTR